The following is an entry in ClinVar:

ClinVar aggregate classification (germline): Uncertain significance. Review status: criteria provided, multiple submitters, no conflicts (2 of 4 stars). 3 submissions from 3 submitters: Uncertain significance (3). Last evaluated 2024-12-28.

Conditions:
Inborn genetic diseases. Identifiers: MedGen C0950123, MeSH D030342.
Maple syrup urine disease (MSUD). Identifiers: Orphanet 511, MedGen C0024776, MeSH D008375, MONDO:0009563. Disease mechanism: loss of function.

Allele frequency attached by ClinVar (database versions not stated): ExAC 0.00006; gnomAD 0.00011; gnomAD exomes 0.00012 and 0.00021; TOPMed 0.00014; ESP Exome Variant Server 0.00015.
gnomAD v4.1: 318 of 1,613,586 alleles (0.02%); highest among the groups gnomAD compares: Non-Finnish European, 0.025%; no homozygotes.

Submissions (3):

Ambry Genetics
Classification: Uncertain significance for Inborn genetic diseases. Last evaluated: 2024-12-28. Review status: criteria provided, single submitter. Criteria: Ambry Variant Classification Scheme 2023. Collection method: clinical testing. Allele origin: germline.

Labcorp Genetics (formerly Invitae), Labcorp
Classification: Uncertain significance for Maple syrup urine disease. Last evaluated: 2022-06-13. Review status: criteria provided, single submitter. Criteria: Invitae Variant Classification Sherloc (09022015). Collection method: clinical testing. Allele origin: germline.
Comment: This sequence change replaces asparagine, which is neutral and polar, with aspartic acid, which is acidic and polar, at codon 150 of the BCKDHA protein (p.Asn150Asp). This variant is present in population databases (rs140612545, gnomAD 0.02%). This variant has not been reported in the literature in individuals affected with BCKDHA-related conditions. ClinVar contains an entry for this variant (Variation ID: 329363). Advanced modeling of protein sequence and biophysical properties (such as structural, functional, and spatial information, amino acid conservation, physicochemical variation, residue mobility, and thermodynamic stability) performed at Invitae indicates that this missense variant is not expected to disrupt BCKDHA protein function. In summary, the available evidence is currently insufficient to determine the role of this variant in disease. Therefore, it has been classified as a Variant of Uncertain Significance.

Illumina Laboratory Services, Illumina
Classification: Uncertain significance for Maple syrup urine disease type 1A. Last evaluated: 2018-01-12. Review status: criteria provided, single submitter. Criteria: ICSL Variant Classification Criteria 13 December 2019. Collection method: clinical testing. Allele origin: germline.

NM_000709.4(BCKDHA):c.448A>G (p.Asn150Asp)

Gene: BCKDHA (branched chain keto acid dehydrogenase E1 subunit alpha; plus strand). Cytogenetic location: 19q13.2.
Variant type: single nucleotide variant.
Coding change: c.448A>G on transcript NM_000709.4 (MANE Select); coding-DNA position 448, A replaced by G.
Protein change: p.Asn150Asp; replaces asparagine 150 with aspartic acid.
Molecular consequence: missense variant.
Genome position (GRCh38, 1-based): chr19:41,414,121, A>G. VCF-style: chr19-41414121-A-G. GRCh37 (hg19) VCF-style: chr19-41920026-A-G.
Other names: c.448A>G, p.Asn150Asp (NM_001164783.2); short protein forms N150D.
Identifiers: ClinVar variation 329363 (VCV000329363.9), dbSNP rs140612545, ClinGen allele CA9461147.